The following is an entry in ClinVar:

NM_001080517.3(SETD5):c.1903C>T (p.Gln635Ter)

Gene: SETD5 (SET domain containing 5; plus strand). Cytogenetic location: 3p25.3.
Variant type: single nucleotide variant.
Coding change: c.1903C>T on transcript NM_001080517.3 (MANE Select); coding-DNA position 1903, C replaced by T.
Protein change: p.Gln635Ter; replaces glutamine 635 with a stop codon.
Molecular consequence: nonsense.
Genome position (GRCh38, 1-based): chr3:9,447,806, C>T. VCF-style: chr3-9447806-C-T. GRCh37 (hg19) VCF-style: chr3-9489490-C-T.
Other names: c.1609C>T, p.Gln537Ter (NM_001292043.2, NM_001349451.2); c.1999C>T, p.Gln667Ter (NM_001437633.1); c.1960C>T, p.Gln654Ter (NM_001437635.1); c.1903C>T, p.Gln635Ter (NM_001437643.1); c.1942C>T, p.Gln648Ter (NM_001437701.1); short protein forms Q537*, Q635*, Q648*, Q654*, Q667*.
Identifiers: ClinVar variation 5019910 (VCV005019910.1).

ClinVar aggregate classification (germline): Pathogenic (1 of 4 stars; one submission).

Conditions:
Intellectual disability-facial dysmorphism syndrome due to SETD5 haploinsufficiency (MRD23). Also called: Intellectual developmental disorder, autosomal dominant 23. Identifiers: Orphanet 404440, MedGen C3810406, MONDO:0014336, OMIM 615761.

Submission:

Juno Genomics, Hangzhou Juno Genomics, Inc
Classification: Pathogenic for Intellectual disability-facial dysmorphism syndrome due to SETD5 haploinsufficiency. Review status: criteria provided, single submitter. Criteria: ACMG Guidelines, 2015. Collection method: clinical testing. Allele origin: germline. Affected: yes.
Comment: Absent from controls (or at extremely low frequency if recessive) in Genome Aggregation Database.;De novo (both maternity and paternity confirmed) in a patient with the disease and no family history.;Null variant in a gene where loss of function (LOF) is a known mechanism of disease.